The following is an entry in ClinVar:

ClinVar aggregate classification (germline): Uncertain significance (1 of 4 stars; one submission).

gnomAD v4.1: 35 of 1,613,894 alleles (0.0022%); highest among the groups gnomAD compares: Admixed American, 0.03%; no homozygotes.

Submission:

CeGaT Center for Human Genetics Tuebingen
Classification: Uncertain significance. Last evaluated: 2026-02-01. Review status: criteria provided, single submitter. Criteria: CeGaT Center For Human Genetics Tuebingen Variant Classification Criteria Version 2. Collection method: clinical testing. Allele origin: germline. Affected: yes. Observed: 1 variant allele.
Comment: NUP54: PM2, BP4

NM_017426.4(NUP54):c.211A>G (p.Thr71Ala)

Gene: NUP54 (nucleoporin 54; minus strand). Cytogenetic location: 4q21.1.
Variant type: single nucleotide variant.
Coding change: c.211A>G on transcript NM_017426.4 (MANE Select); coding-DNA position 211, A replaced by G.
Protein change: p.Thr71Ala; replaces threonine 71 with alanine.
Molecular consequence: missense variant. On other transcripts: non-coding transcript variant (3), intron variant (1).
Genome position (GRCh38, 1-based): chr4:76,144,233, T>C on the plus strand (A>G on the coding strand, the complement: NUP54 is on the minus strand). VCF-style: chr4-76144233-T-C. GRCh37 (hg19) VCF-style: chr4-77065386-T-C.
Other names: c.151+157A>G (NM_001278603.2); short protein forms T71A.
Identifiers: ClinVar variation 4821825 (VCV004821825.4).